The following is an entry in ClinVar:

NM_006393.3(NEBL):c.276C>T (p.Thr92=)

Gene: NEBL (nebulette; minus strand). Cytogenetic location: 10p12.31.
Variant type: single nucleotide variant.
Coding change: c.276C>T on transcript NM_006393.3 (MANE Select); coding-DNA position 276, C replaced by T.
Protein change: p.Thr92=; no amino-acid change (threonine 92 retained).
Molecular consequence: synonymous variant. On other transcripts: intron variant (9).
Genome position (GRCh38, 1-based): chr10:20,888,190, G>A on the plus strand (C>T on the coding strand, the complement: NEBL is on the minus strand). VCF-style: chr10-20888190-G-A. GRCh37 (hg19) VCF-style: chr10-21177119-G-A.
Other names: c.249+73482C>T (NM_001377326.1, NM_001377327.1, NM_001377328.1); c.357+73482C>T (NM_213569.2, NM_001173484.2, NM_001377322.1); c.300+73482C>T (NM_001377324.1); c.291+73482C>T (NM_001377325.1); c.309+73482C>T (NM_001377323.1).
Identifiers: ClinVar variation 513153 (VCV000513153.2), dbSNP rs1256058724, ClinGen allele CA468446815.

ClinVar aggregate classification (germline): Likely benign. Review status: criteria provided, multiple submitters, no conflicts (2 of 4 stars). 2 submissions from 2 submitters: Likely benign (2). Last evaluated 2024-05-19.

Allele frequency attached by ClinVar (database versions not stated): gnomAD 0.00001; gnomAD exomes 0.00001; TOPMed 0.00001.
gnomAD v4.1: 20 of 1,610,154 alleles (0.0012%); highest among the groups gnomAD compares: Non-Finnish European, 0.0015%; no homozygotes.

Submissions (2):

Ambry Genetics
Classification: Likely benign. Last evaluated: 2024-05-19. Review status: criteria provided, single submitter. Criteria: Ambry Variant Classification Scheme 2023. Collection method: clinical testing. Allele origin: germline.

GeneDx
Classification: Likely benign. Last evaluated: 2017-11-08. Review status: criteria provided, single submitter. Criteria: GeneDx Variant Classification (06012015). Collection method: clinical testing. Allele origin: germline. Affected: yes.
Comment: This variant is considered likely benign or benign based on one or more of the following criteria: it is a conservative change, it occurs at a poorly conserved position in the protein, it is predicted to be benign by multiple in silico algorithms, and/or has population frequency not consistent with disease.